The following is an entry in ClinVar:

ClinVar aggregate classification (germline): Uncertain significance (1 of 4 stars; one submission).

gnomAD v4.1: 3 of 1,613,132 alleles (0.00019%); highest among the groups gnomAD compares: Non-Finnish European, 0.00025%; no homozygotes.

Submission:

Labcorp Genetics (formerly Invitae), Labcorp
Classification: Uncertain significance. Last evaluated: 2024-06-01. Review status: criteria provided, single submitter. Criteria: Invitae Variant Classification Sherloc (09022015). Collection method: clinical testing. Allele origin: germline.
Comment: This sequence change replaces valine, which is neutral and non-polar, with leucine, which is neutral and non-polar, at codon 657 of the ERBB4 protein (p.Val657Leu). This variant is not present in population databases (gnomAD no frequency). This variant has not been reported in the literature in individuals affected with ERBB4-related conditions. Advanced modeling of protein sequence and biophysical properties (such as structural, functional, and spatial information, amino acid conservation, physicochemical variation, residue mobility, and thermodynamic stability) performed at Invitae indicates that this missense variant is not expected to disrupt ERBB4 protein function with a negative predictive value of 80%. In summary, the available evidence is currently insufficient to determine the role of this variant in disease. Therefore, it has been classified as a Variant of Uncertain Significance.

NM_005235.3(ERBB4):c.1969G>T (p.Val657Leu)

Gene: ERBB4 (erb-b2 receptor tyrosine kinase 4; minus strand). Cytogenetic location: 2q34.
Variant type: single nucleotide variant.
Coding change: c.1969G>T on transcript NM_005235.3 (MANE Select); coding-DNA position 1969, G replaced by T.
Protein change: p.Val657Leu; replaces valine 657 with leucine.
Molecular consequence: missense variant.
Genome position (GRCh38, 1-based): chr2:211,630,572, C>A on the plus strand (G>T on the coding strand, the complement: ERBB4 is on the minus strand). VCF-style: chr2-211630572-C-A. GRCh37 (hg19) VCF-style: chr2-212495297-C-A.
Other names: c.1969G>T, p.Val657Leu (NM_001042599.2); short protein forms V657L.
Identifiers: ClinVar variation 3610655 (VCV003610655.2).